The following is an entry in ClinVar:

ClinVar aggregate classification (germline): Uncertain significance (1 of 4 stars; one submission).

Conditions:
Landau-Kleffner syndrome (FESD). Also called: EPILEPSY, FOCAL, WITH SPEECH DISORDER AND WITH OR WITHOUT MENTAL RETARDATION; APHASIA, ACQUIRED, WITH EPILEPSY. Identifiers: Orphanet 1945, Orphanet 725, Orphanet 98818, MedGen C0282512, MONDO:0009509, OMIM 245570.

Submission:

Labcorp Genetics (formerly Invitae), Labcorp
Classification: Uncertain significance for Landau-Kleffner syndrome. Last evaluated: 2022-06-15. Review status: criteria provided, single submitter. Criteria: Invitae Variant Classification Sherloc (09022015). Collection method: clinical testing. Allele origin: germline.
Comment: In summary, the available evidence is currently insufficient to determine the role of this variant in disease. Therefore, it has been classified as a Variant of Uncertain Significance. This variant has not been reported in the literature in individuals affected with GRIN2A-related conditions. This sequence change replaces leucine, which is neutral and non-polar, with histidine, which is basic and polar, at codon 276 of the GRIN2A protein (p.Leu276His). This variant is not present in population databases (gnomAD no frequency). Advanced modeling of protein sequence and biophysical properties (such as structural, functional, and spatial information, amino acid conservation, physicochemical variation, residue mobility, and thermodynamic stability) performed at Invitae indicates that this missense variant is not expected to disrupt GRIN2A protein function.

NM_001134407.3(GRIN2A):c.827T>A (p.Leu276His)

Gene: GRIN2A (glutamate ionotropic receptor NMDA type subunit 2A; minus strand). Cytogenetic location: 16p13.2.
Variant type: single nucleotide variant.
Coding change: c.827T>A on transcript NM_001134407.3 (MANE Select); coding-DNA position 827, T replaced by A.
Protein change: p.Leu276His; replaces leucine 276 with histidine.
Molecular consequence: missense variant.
Genome position (GRCh38, 1-based): chr16:9,938,139, A>T on the plus strand (T>A on the coding strand, the complement: GRIN2A is on the minus strand). VCF-style: chr16-9938139-A-T. GRCh37 (hg19) VCF-style: chr16-10031996-A-T.
Other names: c.827T>A, p.Leu276His (NM_000833.5, NM_001134408.2); short protein forms L276H.
Identifiers: ClinVar variation 2007087 (VCV002007087.4), dbSNP rs2044759550, ClinGen allele CA394798414.